The following is an entry in ClinVar:

NM_001289808.2(CRYAB):c.431C>G (p.Thr144Ser)

Gene: CRYAB (crystallin alpha B; minus strand). Cytogenetic location: 11q23.1.
Variant type: single nucleotide variant.
Coding change: c.431C>G on transcript NM_001289808.2 (MANE Select); coding-DNA position 431, C replaced by G.
Protein change: p.Thr144Ser; replaces threonine 144 with serine.
Molecular consequence: missense variant.
Genome position (GRCh38, 1-based): chr11:111,908,861, G>C on the plus strand (C>G on the coding strand, the complement: CRYAB is on the minus strand). VCF-style: chr11-111908861-G-C. GRCh37 (hg19) VCF-style: chr11-111779585-G-C.
Other names: c.431C>G, p.Thr144Ser (NM_001289807.1, NM_001368245.1, NM_001885.3); c.230C>G, p.Thr77Ser (NM_001330379.1, NM_001368246.1); short protein forms T144S, T77S.
Identifiers: ClinVar variation 3767561 (VCV003767561.2).

ClinVar aggregate classification (germline): Uncertain significance. Review status: criteria provided, multiple submitters, no conflicts (2 of 4 stars). 2 submissions from 2 submitters: Uncertain significance (2). Last evaluated 2025-12-21.

Conditions:
Dilated cardiomyopathy 1II (CMD1II). Identifiers: Orphanet 154, MedGen C3554649, MONDO:0014073, OMIM 615184.

gnomAD v4.1: 1 of 1,614,170 alleles (0.000062%); highest among the groups gnomAD compares: African/African-American, 0.0013%; no homozygotes.

Submissions (2):

Labcorp Genetics (formerly Invitae), Labcorp
Classification: Uncertain significance for Dilated cardiomyopathy 1II. Last evaluated: 2025-12-21. Review status: criteria provided, single submitter. Criteria: Invitae Variant Classification Sherloc (09022015). Collection method: clinical testing. Allele origin: germline.
Comment: This sequence change replaces threonine, which is neutral and polar, with serine, which is neutral and polar, at codon 144 of the CRYAB protein (p.Thr144Ser). This variant is not present in population databases (gnomAD no frequency). This variant has not been reported in the literature in individuals affected with CRYAB-related conditions. ClinVar contains an entry for this variant (Variation ID: 3767561). An algorithm developed to predict the effect of missense changes on protein structure and function outputs the following: PolyPhen-2: "Benign". The serine amino acid residue is found in multiple mammalian species, which suggests that this missense change does not adversely affect protein function. In summary, the available evidence is currently insufficient to determine the role of this variant in disease. Therefore, it has been classified as a Variant of Uncertain Significance.

GeneDx
Classification: Uncertain significance. Last evaluated: 2024-09-05. Review status: criteria provided, single submitter. Criteria: GeneDx Variant Classification Process June 2021. Collection method: clinical testing. Allele origin: germline. Affected: yes.
Comment: Not observed at significant frequency in large population cohorts (gnomAD); In silico analysis supports that this missense variant has a deleterious effect on protein structure/function; Has not been previously published as pathogenic or benign to our knowledge